The following is an entry in ClinVar:

ClinVar aggregate classification (germline): Benign/Likely benign. Review status: criteria provided, multiple submitters, no conflicts (2 of 4 stars). 4 submissions from 4 submitters: Benign (1); Likely benign (2). 1 of the submissions does not count toward it. Last evaluated 2026-06-15.

Conditions:
Idiopathic generalized epilepsy. Also called: EIG; Generalised epilepsy. Identifiers: MedGen C0270850, MONDO:0005579, OMIM 600669.
GABRD-related disorder. Also called: GABRD-related condition.
Epilepsy, idiopathic generalized, susceptibility to, 10. Identifiers: MedGen C2751603, MONDO:0013103, OMIM 613060.

Allele frequency attached by ClinVar (database versions not stated): gnomAD exomes 0.00030 and 0.00068; ExAC 0.00033; TOPMed 0.00038; gnomAD 0.00044 and 0.00045; ESP Exome Variant Server 0.00093.
gnomAD v4.1: 1,029 of 1,612,146 alleles (0.064%); highest among the groups gnomAD compares: Non-Finnish European, 0.084%; 1 homozygote.

Submissions (8):

Women's Health and Genetics/Laboratory Corporation of America, LabCorp
Classification: Likely benign. Last evaluated: 2026-06-15. Review status: criteria provided, single submitter. Criteria: LabCorp Variant Classification Summary - May 2015. Collection method: clinical testing. Allele origin: germline.

Labcorp Genetics (formerly Invitae), Labcorp
Classification: Likely benign for Idiopathic generalized epilepsy. Last evaluated: 2025-09-10. Review status: criteria provided, single submitter. Criteria: Invitae Variant Classification Sherloc (09022015). Collection method: clinical testing. Allele origin: germline.

ARUP Laboratories, Molecular Genetics and Genomics, ARUP Laboratories
Classification: Benign for Epilepsy, idiopathic generalized, susceptibility to, 10. Last evaluated: 2025-07-17. Review status: criteria provided, single submitter. Criteria: ARUP Molecular Germline Variant Investigation Process 2024. Collection method: clinical testing. Allele origin: germline.

PreventionGenetics, part of Exact Sciences
Classification: Likely benign for GABRD-related condition. Last evaluated: 2019-02-25. Review status: no assertion criteria provided. Collection method: clinical testing. Allele origin: germline. Not counted in ClinVar's aggregate classification.
Comment: This variant is classified as likely benign based on ACMG/AMP sequence variant interpretation guidelines (Richards et al. 2015 PMID: 25741868, with internal and published modifications).

Dr. Peter K. Rogan Lab, Western University
No classification provided (evidence only). Condition: Lung cancer. Review status: no classification provided. Collection method: in vitro. Allele origin: not applicable. Functional consequence: retained intron. Not counted in ClinVar's aggregate classification.

Dr. Peter K. Rogan Lab, Western University
No classification provided (evidence only). Condition: Uterine corpus endometrial carcinoma. Review status: no classification provided. Collection method: in vitro. Allele origin: not applicable. Functional consequence: retained intron. Not counted in ClinVar's aggregate classification.

Dr. Peter K. Rogan Lab, Western University
No classification provided (evidence only). Condition: Uterine corpus endometrial carcinoma. Review status: no classification provided. Collection method: in vitro. Allele origin: not applicable. Functional consequence: retained intron. Not counted in ClinVar's aggregate classification.

Dr. Peter K. Rogan Lab, Western University
No classification provided (evidence only). Condition: Thymoma. Review status: no classification provided. Collection method: in vitro. Allele origin: not applicable. Functional consequence: retained intron. Not counted in ClinVar's aggregate classification.

NM_000815.5(GABRD):c.1060-8T>A

Gene: GABRD (gamma-aminobutyric acid type A receptor subunit delta; plus strand). Cytogenetic location: 1p36.33.
Variant type: single nucleotide variant.
Coding change: c.1060-8T>A on transcript NM_000815.5 (MANE Select); 8 bases into the intron before coding-DNA position 1060, T replaced by A.
Molecular consequence: intron variant.
Genome position (GRCh38, 1-based): chr1:2,029,975, T>A. VCF-style: chr1-2029975-T-A. GRCh37 (hg19) VCF-style: chr1-1961414-T-A.
Identifiers: ClinVar variation 766982 (VCV000766982.14), dbSNP rs76809996, ClinGen allele CA534898.